The following is an entry in ClinVar:

NM_177550.5(SLC13A5):c.840-134C>A

Gene: SLC13A5 (solute carrier family 13 member 5; minus strand). Cytogenetic location: 17p13.1.
Variant type: single nucleotide variant.
Coding change: c.840-134C>A on transcript NM_177550.5 (MANE Select); 134 bases into the intron before coding-DNA position 840, C replaced by A.
Molecular consequence: intron variant.
Genome position (GRCh38, 1-based): chr17:6,696,075, G>T on the plus strand (C>A on the coding strand, the complement: SLC13A5 is on the minus strand). VCF-style: chr17-6696075-G-T. GRCh37 (hg19) VCF-style: chr17-6599394-G-T.
Other names: c.711-134C>A (NM_001284510.2); c.789-134C>A (NM_001284509.2); c.840-134C>A (NM_001143838.3).
Identifiers: ClinVar variation 677508 (VCV000677508.1), dbSNP rs116715176, ClinGen allele CA287388374.

ClinVar aggregate classification (germline): Likely benign (1 of 4 stars; one submission).

Allele frequency attached by ClinVar (database versions not stated): gnomAD 0.01387; TOPMed 0.01411; 1000 Genomes Project 30x 0.01921; 1000 Genomes Project 0.01777.
gnomAD v4.1: 3,446 of 739,726 alleles (0.47%); highest among the groups gnomAD compares: African/African-American, 4.5%; 76 homozygotes.

Submission:

GeneDx
Classification: Likely benign. Last evaluated: 2018-06-16. Review status: criteria provided, single submitter. Criteria: GeneDx Variant Classification (06012015). Collection method: clinical testing. Allele origin: germline. Affected: yes.
Comment: This variant is considered likely benign or benign based on one or more of the following criteria: it is a conservative change, it occurs at a poorly conserved position in the protein, it is predicted to be benign by multiple in silico algorithms, and/or has population frequency not consistent with disease.